The following is an entry in ClinVar:

ClinVar aggregate classification (germline): Benign. Review status: criteria provided, multiple submitters, no conflicts (2 of 4 stars). 2 submissions from 2 submitters: Benign (2). Last evaluated 2018-06-19.

Allele frequency attached by ClinVar (database versions not stated): TOPMed 0.95412; 1000 Genomes Project 30x 0.95425; 1000 Genomes Project 0.95667; gnomAD 0.95942; gnomAD exomes 0.99499.
gnomAD v4.1: 580,477 of 588,968 alleles (99%); highest among the groups gnomAD compares: East Asian, 100%; 286,542 homozygotes.

Submissions (2):

GeneDx
Classification: Benign. Last evaluated: 2018-06-19. Review status: criteria provided, single submitter. Criteria: GeneDx Variant Classification (06012015). Collection method: clinical testing. Allele origin: germline. Affected: yes.
Comment: This variant is considered likely benign or benign based on one or more of the following criteria: it is a conservative change, it occurs at a poorly conserved position in the protein, it is predicted to be benign by multiple in silico algorithms, and/or has population frequency not consistent with disease.

Breakthrough Genomics
Classification: Benign. Review status: criteria provided, single submitter. Criteria: ACMG Guidelines, 2015. Collection method: not provided. Allele origin: germline. Inheritance: Autosomal recessive inheritance. Affected: yes.

NM_000153.4(GALC):c.1162-152G>A

Gene: GALC (galactosylceramidase; minus strand). Cytogenetic location: 14q31.3.
Variant type: single nucleotide variant.
Coding change: c.1162-152G>A on transcript NM_000153.4 (MANE Select); 152 bases into the intron before coding-DNA position 1162, G replaced by A.
Molecular consequence: intron variant.
Genome position (GRCh38, 1-based): chr14:87,950,900, C>T on the plus strand (G>A on the coding strand, the complement: GALC is on the minus strand). VCF-style: chr14-87950900-C-T. GRCh37 (hg19) VCF-style: chr14-88417244-C-T.
Other names: c.1084-152G>A (NM_001201402.2); c.1093-152G>A (NM_001201401.2).
Identifiers: ClinVar variation 680298 (VCV000680298.2), dbSNP rs443019, ClinGen allele CA264688758.